The following is an entry in ClinVar:

NM_020297.4(ABCC9):c.422G>C (p.Trp141Ser)

Gene: ABCC9 (ATP binding cassette subfamily C member 9; minus strand). Cytogenetic location: 12p12.1.
Variant type: single nucleotide variant.
Coding change: c.422G>C on transcript NM_020297.4 (MANE Select); coding-DNA position 422, G replaced by C.
Protein change: p.Trp141Ser; replaces tryptophan 141 with serine.
Molecular consequence: missense variant. On other transcripts: intron variant (1).
Genome position (GRCh38, 1-based): chr12:21,917,088, C>G on the plus strand (G>C on the coding strand, the complement: ABCC9 is on the minus strand). VCF-style: chr12-21917088-C-G. GRCh37 (hg19) VCF-style: chr12-22070022-C-G.
Other names: c.422G>C, p.Trp141Ser (NM_001377273.1, NM_005691.4); c.-48-4022G>C (NM_001377274.1); short protein forms W141S.
Identifiers: ClinVar variation 2861093 (VCV002861093.3), dbSNP rs2541748878, ClinGen allele CA384125894.

ClinVar aggregate classification (germline): Uncertain significance (1 of 4 stars; one submission).

Conditions:
Dilated cardiomyopathy 1O (CMD1O). Also called: CARDIOMYOPATHY, DILATED, WITH VENTRICULAR TACHYCARDIA. Identifiers: Orphanet 154, MedGen C1837839, MONDO:0012062, OMIM 608569.

Submission:

Labcorp Genetics (formerly Invitae), Labcorp
Classification: Uncertain significance for Dilated cardiomyopathy 1O. Last evaluated: 2023-05-01. Review status: criteria provided, single submitter. Criteria: Invitae Variant Classification Sherloc (09022015). Collection method: clinical testing. Allele origin: germline.
Comment: In summary, the available evidence is currently insufficient to determine the role of this variant in disease. Therefore, it has been classified as a Variant of Uncertain Significance. This sequence change replaces tryptophan, which is neutral and slightly polar, with serine, which is neutral and polar, at codon 141 of the ABCC9 protein (p.Trp141Ser). This variant is not present in population databases (gnomAD no frequency). This variant has not been reported in the literature in individuals affected with ABCC9-related conditions. Advanced modeling of protein sequence and biophysical properties (such as structural, functional, and spatial information, amino acid conservation, physicochemical variation, residue mobility, and thermodynamic stability) performed at Invitae indicates that this missense variant is expected to disrupt ABCC9 protein function.